The following is an entry in ClinVar:

ClinVar aggregate classification (germline): Conflicting classifications of pathogenicity. Review status: criteria provided, conflicting classifications (1 of 4 stars). 6 submissions from 6 submitters: Uncertain significance (5); Likely benign (1). Last evaluated 2026-05-02.

Conditions:
Cardiovascular phenotype. Identifiers: MedGen CN230736.
TTN-related disorder. Also called: TTN-related condition; TTN-related disease; TTN-related disorders.

Allele frequency attached by ClinVar (database versions not stated): gnomAD exomes below 0.00001; gnomAD 0.00001; TOPMed 0.00002.
gnomAD v4.1: 7 of 1,613,858 alleles (0.00043%); highest among the groups gnomAD compares: African/African-American, 0.0053%; no homozygotes.

Submissions (6):

PreventionGenetics, part of Exact Sciences
Classification: Uncertain significance for TTN-related condition. Last evaluated: 2026-05-02. Review status: criteria provided, single submitter. Criteria: ACMG Guidelines, 2015. Collection method: clinical testing. Allele origin: germline.
Comment: The TTN c.87671T>C variant is predicted to result in the amino acid substitution p.Ile29224Thr. To our knowledge, this variant has not been reported in the literature. This variant is reported in 0.0083% of alleles in individuals of African descent in gnomAD. At this time, the clinical significance of this variant is uncertain due to the absence of conclusive functional and genetic evidence.

Molecular Diagnostic Laboratory for Inherited Cardiovascular Disease, Montreal Heart Institute
Classification: Likely benign. Last evaluated: 2026-03-27. Review status: criteria provided, single submitter. Criteria: ACMG Guidelines, 2015. Collection method: clinical testing. Allele origin: germline. Affected: no.

Women's Health and Genetics/Laboratory Corporation of America, LabCorp
Classification: Uncertain significance. Last evaluated: 2025-09-04. Review status: criteria provided, single submitter. Criteria: LabCorp Variant Classification Summary - May 2015. Collection method: clinical testing. Allele origin: germline.
Comment: Variant summary: TTN c.79967T>C (p.Ile26656Thr) results in a non-conservative amino acid change in the encoded protein sequence. Algorithms developed to predict the effect of missense changes on protein structure and function are either unavailable or do not agree on the potential impact of this missense change. The variant allele was found at a frequency of 4e-06 in 248894 control chromosomes. The available data on variant occurrences in the general population are insufficient to allow any conclusion about variant significance. To our knowledge, no occurrence of c.79967T>C in individuals affected with TTN-related conditions and no experimental evidence demonstrating its impact on protein function have been reported. ClinVar contains an entry for this variant (Variation ID: 263791). Based on the evidence outlined above, the variant was classified as uncertain significance.

GeneDx
Classification: Uncertain significance. Last evaluated: 2024-05-30. Review status: criteria provided, single submitter. Criteria: GeneDx Variant Classification Process June 2021. Collection method: clinical testing. Allele origin: germline. Affected: yes.
Comment: Not observed at significant frequency in large population cohorts (gnomAD); Missense variant in a gene in which most reported pathogenic variants are truncating/loss of function; Has not been previously published as pathogenic or benign to our knowledge

Eurofins Ntd Llc (ga)
Classification: Uncertain significance. Last evaluated: 2016-09-16. Review status: criteria provided, single submitter. Criteria: EGL Classification Definitions 2015. Collection method: clinical testing. Allele origin: germline. Observed: 1 variant allele, 1 heterozygote.

Ambry Genetics
Classification: Uncertain significance for Cardiovascular phenotype. Last evaluated: 2013-09-18. Review status: criteria provided, single submitter. Criteria: Ambry Autosomal Dominant and X-Linked criteria (10/2015). Collection method: clinical testing. Allele origin: germline. Observed: 1 variant allele.
Comment: The p.I26656T variant (also known as c.79967T>C) is located in coding exon 276 of the TTNgene. This alteration results from a T to C substitution at nucleotide position 79967. The isoleucine at codon 26656 is replaced by threonine, an amino acid with some similar properties. Ã¢â‚¬â€¹ Ã¢â‚¬â€¹This variant was not reported in population-based cohorts in the following databases: Database of Single Nucleotide Polymorphisms (dbSNP), the 1000 Genomes Project and the NHLBI Exome Sequencing Project (ESP). In the ESP, this variant was not observed in 6063 samples (12126 alleles) with coverage at this position. Based on protein sequence alignment, this amino acid position is not well conserved in available vertebrate species, with threonine as the reference amino acid in three species.In addition, this alteration is predicted to be benign by PolyPhen analysis.Since supporting evidence is limited at this time, the clinical significance of this variant remains unclearÃ¢â‚¬â€¹

NM_001267550.2(TTN):c.87671T>C (p.Ile29224Thr)

Genes: TTN (titin; minus strand), TTN-AS1 (TTN antisense RNA 1; plus strand). Cytogenetic location: 2q31.2.
Variant type: single nucleotide variant.
Coding change: c.87671T>C on transcript NM_001267550.2 (MANE Select); coding-DNA position 87671, T replaced by C.
Protein change: p.Ile29224Thr; replaces isoleucine 29224 with threonine.
Molecular consequence: missense variant.
Genome position (GRCh38, 1-based): chr2:178,557,683, A>G on the plus strand (T>C on the coding strand, the complement: TTN is on the minus strand). VCF-style: chr2-178557683-A-G. GRCh37 (hg19) VCF-style: chr2-179422410-A-G.
Other names: c.82748T>C, p.Ile27583Thr (NM_001256850.1); c.60476T>C, p.Ile20159Thr (NM_003319.4); c.79967T>C, p.Ile26656Thr (NM_133378.4); c.60851T>C, p.Ile20284Thr (NM_133432.3); c.61052T>C, p.Ile20351Thr (NM_133437.4); c.87671T>C (NM_001267550.1); short protein forms I26656T, I29224T, I20284T, I20159T, I20351T, I27583T.
Identifiers: ClinVar variation 263791 (VCV000263791.12), dbSNP rs878915392, ClinGen allele CA10587460.